The following is an entry in ClinVar:

NM_004360.5(CDH1):c.1009-14C>T

Gene: CDH1 (cadherin 1; plus strand). Cytogenetic location: 16q22.1.
Variant type: single nucleotide variant.
Coding change: c.1009-14C>T on transcript NM_004360.5 (MANE Select); 14 bases into the intron before coding-DNA position 1009, C replaced by T.
Molecular consequence: intron variant.
Genome position (GRCh38, 1-based): chr16:68,812,121, C>T. VCF-style: chr16-68812121-C-T. GRCh37 (hg19) VCF-style: chr16-68846024-C-T.
Other names: c.-811-14C>T (NM_001317186.2); c.1009-14C>T (NM_001317184.2, LRG_301t1, NM_004360.4); c.-607-14C>T (NM_001317185.2).
Identifiers: ClinVar variation 371993 (VCV000371993.15), dbSNP rs368293695, ClinGen allele CA16042156.

ClinVar aggregate classification (germline): Conflicting classifications of pathogenicity. Review status: criteria provided, conflicting classifications (1 of 4 stars). 7 submissions from 7 submitters: Uncertain significance (1); Benign (1); Likely benign (4). 1 of the submissions does not count toward it. Last evaluated 2026-01-27.

Conditions:
Ovarian cancer. Also called: OVARIAN CANCER, SOMATIC. Identifiers: Orphanet 213500, MedGen C1140680, MONDO:0008170, OMIM 167000.
Familial cancer of breast. Also called: Hereditary breast cancer; BREAST CANCER, FAMILIAL; hereditary breast carcinoma. Identifiers: Orphanet 227535, MedGen C0346153, MONDO:0016419, OMIM 114480. Disease mechanism: loss of function.
Hereditary cancer-predisposing syndrome. Also called: Tumor predisposition; Hereditary Cancer Syndrome; Hereditary neoplastic syndrome; Neoplastic Syndromes, Hereditary. Identifiers: Orphanet 140162, MedGen C0027672, MeSH D009386, MONDO:0015356.
Hereditary diffuse gastric adenocarcinoma (HDGC). Also called: DIFFUSE GASTRIC AND LOBULAR BREAST CANCER SYNDROME. Identifiers: Orphanet 26106, MedGen C1708349, MONDO:0007648, OMIM 137215.

Allele frequency attached by ClinVar (database versions not stated): gnomAD exomes below 0.00001; gnomAD 0.00001; TOPMed 0.00001; ESP Exome Variant Server 0.00008.
gnomAD v4.1: 31 of 1,613,662 alleles (0.0019%); highest among the groups gnomAD compares: African/African-American, 0.0027%; no homozygotes.

Submissions (7):

Labcorp Genetics (formerly Invitae), Labcorp
Classification: Likely benign for Hereditary diffuse gastric adenocarcinoma. Last evaluated: 2026-01-27. Review status: criteria provided, single submitter. Criteria: Invitae Variant Classification Sherloc (09022015). Collection method: clinical testing. Allele origin: germline.

Department of Pathology and Laboratory Medicine, Sinai Health System
Classification: Likely benign for Familial cancer of breast; Ovarian cancer. Last evaluated: 2024-04-03. Review status: criteria provided, single submitter. Criteria: ACMG Guidelines, 2015. Collection method: clinical testing. Allele origin: germline. Affected: yes.

Myriad Genetics, Inc.
Classification: Likely benign for Hereditary diffuse gastric adenocarcinoma. Last evaluated: 2023-03-03. Review status: criteria provided, single submitter. Criteria: Myriad Autosomal Dominant, Autosomal Recessive and X-Linked Classification Criteria (2023). Collection method: clinical testing. Allele origin: unknown.
Comment: This variant is considered likely benign. This variant is intronic and is not expected to impact mRNA splicing.

European Reference Network on Genetic Tumour Risk Syndromes (ERN-GENTURIS), i3s - Instituto de Investigação e Inovação em Saúde, University of Porto
Classification: Uncertain significance for Hereditary diffuse gastric adenocarcinoma. Last evaluated: 2022-08-01. Review status: criteria provided, single submitter. Criteria: Lee et al. (Hum Mutat. 2018). Collection method: clinical testing. Allele origin: germline. Inheritance: Autosomal dominant inheritance. Affected: no. Study: ERN GENTURIS.
Comment: PM2 (PMID: 30311375)

Color Diagnostics, LLC DBA Color Health
Classification: Likely benign for Hereditary cancer-predisposing syndrome. Last evaluated: 2016-03-06. Review status: criteria provided, single submitter. Criteria: ACMG Guidelines, 2015. Collection method: clinical testing. Allele origin: germline.

GeneDx
Classification: Benign. Last evaluated: 2015-04-03. Review status: criteria provided, single submitter. Criteria: GeneDx Variant Classification (06012015). Collection method: clinical testing. Allele origin: germline. Affected: yes.
Comment: This variant is considered likely benign or benign based on one or more of the following criteria: it is a conservative change, it occurs at a poorly conserved position in the protein, it is predicted to be benign by multiple in silico algorithms, and/or has population frequency not consistent with disease.

Counsyl
Classification: Likely benign for Hereditary diffuse gastric adenocarcinoma. Last evaluated: 2016-10-03. Review status: no assertion criteria provided. Collection method: clinical testing. Allele origin: unknown. Not counted in ClinVar's aggregate classification.

Literature cited by the submitters: PubMed 36436516 (cited by European Reference Network on Genetic Tumour Risk Syndromes (ERN-GENTURIS), i3s - Instituto de Investigação e Inovação em Saúde, University of Porto).